The following is an entry in ClinVar:

ClinVar aggregate classification (germline): Pathogenic/Likely pathogenic. Review status: criteria provided, multiple submitters, no conflicts (2 of 4 stars). 18 submissions from 18 submitters: Pathogenic (11); Likely pathogenic (3). 4 of the submissions do not count toward it. Last evaluated 2026-01-26.

Conditions:
Cardiovascular phenotype. Identifiers: MedGen CN230736.
Marfan Syndrome/Loeys-Dietz Syndrome/Familial Thoracic Aortic Aneurysms and Dissections. Identifiers: MedGen CN229799.
Marfan syndrome (MFS). Also called: Marfan syndrome, classic; FBN1-Related Marfan Syndrome; Marfan syndrome type 1; Marfan's syndrome; MARFAN SYNDROME, TYPE I. Identifiers: Orphanet 284963, Orphanet 558, MedGen C0024796, MONDO:0007947, OMIM 154700.
MASS syndrome (OCTD). Also called: OVERLAP CONNECTIVE TISSUE DISEASE; MASS PHENOTYPE. Identifiers: MedGen C1858556, MONDO:0011431, OMIM 604308.
Weill-Marchesani syndrome 2, dominant. Also called: Weill-Marchesani Syndrome, Autosomal Dominant; FBN1-Related Weill-Marchesani Syndrome. Identifiers: Orphanet 2084, MedGen C1869115, MONDO:0012013, OMIM 608328.
Acromicric dysplasia (ACMICD). Also called: Acromicric skeletal dysplasia. Identifiers: Orphanet 969, MedGen C0265287, MONDO:0007055, OMIM 102370.
Ectopia lentis 1, isolated, autosomal dominant (ECTOL1). Identifiers: Orphanet 1885, MedGen C3541518, MONDO:0007514, OMIM 129600.
Stiff skin syndrome (SSKS). Identifiers: Orphanet 2833, MedGen C1861456, MONDO:0008492, OMIM 184900.
Geleophysic dysplasia 2 (GPHYSD2). Identifiers: Orphanet 2623, MedGen C3280054, MONDO:0013612, OMIM 614185.
Progeroid and marfanoid aspect-lipodystrophy syndrome. Also called: MARFANOID-PROGEROID SYNDROME; MARFAN-PROGEROID-LIPODYSTROPHY SYNDROME; Marfan lipodystrophy syndrome; MARFANOID-PROGEROID-LIPODYSTROPHY SYNDROME. Identifiers: Orphanet 300382, MedGen C4310796, MONDO:0014831, OMIM 616914.
Familial thoracic aortic aneurysm and aortic dissection (TAAD). Also called: Thoracic aortic aneurysms and dissections. Identifiers: Orphanet 91387, MedGen C4707243, MONDO:0019625.
FBN1-related disorder. Also called: FBN1-related disorders.

Allele frequency attached by ClinVar (database versions not stated): gnomAD exomes below 0.00001.
gnomAD v4.1: 2 of 1,614,166 alleles (0.00012%); highest among the groups gnomAD compares: Non-Finnish European, 0.00017%; no homozygotes.

Submissions 1 to 9 of 18:

Labcorp Genetics (formerly Invitae), Labcorp
Classification: Pathogenic for Marfan syndrome; Familial thoracic aortic aneurysm and aortic dissection. Last evaluated: 2026-01-26. Review status: criteria provided, single submitter. Criteria: Invitae Variant Classification Sherloc (09022015). Collection method: clinical testing. Allele origin: germline.
Comment: This sequence change replaces alanine, which is neutral and non-polar, with valine, which is neutral and non-polar, at codon 882 of the FBN1 protein (p.Ala882Val). This variant is not present in population databases (gnomAD no frequency). This missense change has been observed in individual(s) with Marfan syndrome or thoracic aortic aneurysm and dissection (PMID: 15241795, 16756980, 19161152, 19839986, 20564469, 28973303). ClinVar contains an entry for this variant (Variation ID: 200001). Invitae Evidence Modeling of protein sequence and biophysical properties (such as structural, functional, and spatial information, amino acid conservation, physicochemical variation, residue mobility, and thermodynamic stability) indicates that this missense variant is expected to disrupt FBN1 protein function with a positive predictive value of 95%. For these reasons, this variant has been classified as Pathogenic.

Molecular Diagnostic Laboratory for Inherited Cardiovascular Disease, Montreal Heart Institute
Classification: Pathogenic for Cardiovascular phenotype. Last evaluated: 2025-09-24. Review status: criteria provided, single submitter. Criteria: ACMG Guidelines, 2015. Collection method: clinical testing. Allele origin: germline. Affected: yes.
Comment: PS4, PM2, PM6, PM5_supp, PP2, PP3, PP4

GeneDx
Classification: Pathogenic. Last evaluated: 2025-02-04. Review status: criteria provided, single submitter. Criteria: GeneDx Variant Classification Process June 2021. Collection method: clinical testing. Allele origin: germline. Affected: yes.
Comment: Described as de novo in one of these probands, although no specific clinical or family history information was provided (Spits et al., 2006); Not observed at significant frequency in large population cohorts (gnomAD); In silico analysis supports that this missense variant has a deleterious effect on protein structure/function; Does not affect a cysteine or calcium-binding residue within an EGF-like domain or a TGF-binding protein domain of the FBN1 gene; cysteine substitutions in the EGF-like domains represent the majority of pathogenic missense changes associated with FBN1-related disorders (PMID: 12938084); This variant is associated with the following publications: (PMID: 21895641, 20564469, 19161152, 17627385, 16756980, 19839986, 17657824, 28973303, 30341550, 29907982, 29543232, 12938084, 34663891, 32123317, 15241795)

Ambry Genetics
Classification: Pathogenic for Familial thoracic aortic aneurysm and aortic dissection. Last evaluated: 2024-01-05. Review status: criteria provided, single submitter. Criteria: Ambry Variant Classification Scheme 2023. Collection method: clinical testing. Allele origin: germline.
Comment: The p.A882V pathogenic mutation (also known as c.2645C>T), located in coding exon 21 of the FBN1 gene, results from a C to T substitution at nucleotide position 2645. The alanine at codon 882 is replaced by valine, an amino acid with similar properties, and is located in the hybrid motif #02 domain. This mutation was also identified in an individual with ectopia lentis, minor skeletal and skin involvement, and no cardiovascular findings (Comeglio P et al. Hum. Mutat. 2007;28:928) and has been detected in aortic aneurysm and dissection cohorts (Weerakkody R et al. Genet. Med. 2018;20(11):1414-1422; Overwater E et al. Hum. Mutat. 2018;39(9):1173-1192). This mutation co-segregated with disease in one family tested in our laboratory and was reported to segregate with disease in at least two additional families (Comeglio P et al. Hum. Mutat., 2007 Sep;28:928; Howarth R et al. Genet. Test., 2007;11:146-52). This variant was not reported in population-based cohorts in the Genome Aggregation Database (gnomAD). In addition, this alteration is predicted to be deleterious by in silico analysis. Based on the supporting evidence, this alteration is interpreted as a disease-causing mutation.

Blueprint Genetics
Classification: Pathogenic for FBN1-related disorders. Last evaluated: 2022-11-21. Review status: criteria provided, single submitter. Criteria: ACMG Guidelines, 2015. Collection method: clinical testing. Allele origin: germline. Affected: yes. Observed: 2 variant alleles.

Color Diagnostics, LLC DBA Color Health
Classification: Likely pathogenic for Familial thoracic aortic aneurysm and aortic dissection. Last evaluated: 2022-08-22. Review status: criteria provided, single submitter. Criteria: ACMG Guidelines, 2015. Collection method: clinical testing. Allele origin: germline.
Comment: This missense variant replaces alanine with valine at codon 882 of hybrid motif 2 of the FBN1 protein. Computational prediction suggests that this variant may have deleterious impact on protein structure and function (internally defined REVEL score threshold >= 0.7, PMID: 27666373). To our knowledge, functional studies have not been reported for this variant. This variant has been reported in six unrelated individuals affected with Marfan syndrome (PMID: 15241795, 16756980, 17657824, 19839986), in three individuals affected with thoracic aortic aneurysm and aortic dissection (PMID: 28973303, 29543232, 29907982), and in another three individuals with Marfan syndrome-related features (PMID: 20564469, 25652356, 17627385). It has been shown that this variant segregates with Marfan syndrome in a family with four affected carriers (communication with an external laboratory, ClinVar SCV000739791.3). This variant has been described as de novo in one of the probands with Marfan syndrome, although parental testing information was not provided (PMID: 16756980). This variant has not been identified in the general population by the Genome Aggregation Database (gnomAD). Based on the available evidence, this variant is classified as Likely Pathogenic.

MGZ Medical Genetics Center
Classification: Pathogenic for Marfan syndrome. Last evaluated: 2022-05-09. Review status: criteria provided, single submitter. Criteria: ACMG Guidelines, 2015. Collection method: clinical testing. Allele origin: germline. Affected: yes. Observed: 1 variant allele.
Comment: ACMG criteria applied: PS4, PM1, PM5, PM2_SUP, PP2, PP3

Human Genetics Bochum, Ruhr University Bochum
Classification: Pathogenic for Marfan syndrome. Last evaluated: 2022-01-10. Review status: criteria provided, single submitter. Criteria: ACMG Guidelines, 2015. Collection method: clinical testing. Allele origin: germline. Affected: yes.
Comment: ACMG criteria used to clasify this variant: PP3, PM1, PS4, PM2, PM5

CHEO Genetics Diagnostic Laboratory, Children's Hospital of Eastern Ontario
Classification: Pathogenic for Familial thoracic aortic aneurysm and aortic dissection. Last evaluated: 2019-07-30. Review status: criteria provided, single submitter. Criteria: ACMG Guidelines, 2015. Collection method: clinical testing. Allele origin: germline.

NM_000138.5(FBN1):c.2645C>T (p.Ala882Val)

Gene: FBN1 (fibrillin 1; minus strand). Cytogenetic location: 15q21.1.
Variant type: single nucleotide variant.
Coding change: c.2645C>T on transcript NM_000138.5 (MANE Select); coding-DNA position 2645, C replaced by T.
Protein change: p.Ala882Val; replaces alanine 882 with valine.
Molecular consequence: missense variant.
Genome position (GRCh38, 1-based): chr15:48,495,155, G>A on the plus strand (C>T on the coding strand, the complement: FBN1 is on the minus strand). VCF-style: chr15-48495155-G-A. GRCh37 (hg19) VCF-style: chr15-48787352-G-A.
Other names: p.A882V:GCG>GTG; short protein forms A882V.
Identifiers: ClinVar variation 200001 (VCV000200001.44), dbSNP rs794728195, ClinGen allele CA013258.